The following is an entry in ClinVar:

NM_152703.5(SAMD9L):c.3704A>C (p.Lys1235Thr)

Gene: SAMD9L (sterile alpha motif domain containing 9 like; minus strand). Cytogenetic location: 7q21.2.
Variant type: single nucleotide variant.
Coding change: c.3704A>C on transcript NM_152703.5 (MANE Select); coding-DNA position 3704, A replaced by C.
Protein change: p.Lys1235Thr; replaces lysine 1235 with threonine.
Molecular consequence: missense variant.
Genome position (GRCh38, 1-based): chr7:93,132,268, T>G on the plus strand (A>C on the coding strand, the complement: SAMD9L is on the minus strand). VCF-style: chr7-93132268-T-G. GRCh37 (hg19) VCF-style: chr7-92761581-T-G.
Other names: c.3704A>C, p.Lys1235Thr (NM_001303496.3, NM_001303497.3, NM_001303498.3 and 5 more transcripts); short protein forms K1235T.
Identifiers: ClinVar variation 4844837 (VCV004844837.1).
Genomic context (GRCh38, chr7:93,132,268, plus strand): 5'-GATGTGAACTTGCTAAGAGCCAAATAACATTCATTTCTGGGATCAGGAGGAATGGTCCAC[T>G]TTCCTGATAAAAATTGCACCATATGTTTTTTGGATAATTCATTTTCTTTGTGGAAAAAGG-3'
Protein context (NP_689916.2, residues 1225-1245): KKHMVQFLSG[Lys1235Thr]WTIPPDPRNE

ClinVar aggregate classification (germline): Uncertain significance (1 of 4 stars; one submission).

Conditions:
Inborn genetic diseases. Identifiers: MedGen C0950123, MeSH D030342.

Submission:

Ambry Genetics
Classification: Uncertain significance for Inborn genetic diseases. Last evaluated: 2026-02-19. Review status: criteria provided, single submitter. Criteria: Ambry Variant Classification Scheme 2023. Collection method: clinical testing. Allele origin: germline.
Comment: The p.K1235T variant (also known as c.3704A>C), located in coding exon 1 of the SAMD9L gene, results from an A to C substitution at nucleotide position 3704. The lysine at codon 1235 is replaced by threonine, an amino acid with similar properties. This amino acid position is conserved. In addition, this alteration is predicted to be tolerated by in silico analysis. Based on the available evidence, the clinical significance of this variant remains unclear.